The following is an entry in ClinVar:

NM_007294.4(BRCA1):c.3467A>T (p.Asp1156Val)

Genes: BRCA1 (BRCA1 DNA repair associated; minus strand), LOC126862571 (BRD4-independent group 4 enhancer GRCh37_chr17:41243136-41244335; plus strand). Cytogenetic location: 17q21.31.
Variant type: single nucleotide variant.
Coding change: c.3467A>T on transcript NM_007294.4 (MANE Select); coding-DNA position 3467, A replaced by T.
Protein change: p.Asp1156Val; replaces aspartic acid 1156 with valine.
Molecular consequence: missense variant. On other transcripts: intron variant (135).
Genome position (GRCh38, 1-based): chr17:43,092,064, T>A on the plus strand (A>T on the coding strand, the complement: BRCA1 is on the minus strand). VCF-style: chr17-43092064-T-A. GRCh37 (hg19) VCF-style: chr17-41244081-T-A.
Other names: c.665-1032A>T (NM_001408442.1, NM_001408426.1, NM_001408436.1 and 12 more transcripts); c.788-1032A>T (NM_001407982.1, NM_001407970.1, NM_001407980.1 and 17 more transcripts); c.3326A>T, p.Asp1109Val (NM_001407944.1, NM_001407945.1, NM_007297.4 and 29 more transcripts); c.3134A>T, p.Asp1045Val (NM_001407946.1, NM_001407947.1, NM_001407948.1 and 6 more transcripts); c.3131A>T, p.Asp1044Val (NM_001407954.1, NM_001407955.1, NM_001407956.1 and 1 more transcripts); c.3086A>T, p.Asp1029Val (NM_001407959.1, NM_001407960.1, NM_001407963.1); c.3083A>T, p.Asp1028Val (NM_001407962.1); c.3323A>T, p.Asp1108Val (NM_001407964.1, NM_001407740.1, NM_001407741.1 and 20 more transcripts); and 41 more; short protein forms D1044V, D1045V, D1089V, D1114V, D1129V, D860V, D1115V, D1153V.
Identifiers: ClinVar variation 1731692 (VCV001731692.6), dbSNP rs2154312065, ClinGen allele CA10595046.
Genomic context (GRCh38, chr17:43,092,064, plus strand): 5'-ACAGCAGAACTTTCCTTAATGTCATTTTCAGCAAAACTAGTATCTTCCTTTATTTCACCA[T>A]CATCTAACAGGTCATCAGGTGTCTCAGAACAAACCTGAGATGCATGACTACTTCCCATAG-3'
Protein context (NP_009225.1, residues 1146-1166): CSETPDDLLD[Asp1156Val]GEIKEDTSFA

ClinVar aggregate classification (germline): Conflicting classifications of pathogenicity. Review status: criteria provided, conflicting classifications (1 of 4 stars). 2 submissions from 2 submitters: Uncertain significance (1); Likely benign (1). Last evaluated 2025-11-15.

Conditions:
Hereditary cancer-predisposing syndrome. Also called: Neoplastic Syndromes, Hereditary; Tumor predisposition; Hereditary Cancer Syndrome; Hereditary neoplastic syndrome. Identifiers: Orphanet 140162, MedGen C0027672, MeSH D009386, MONDO:0015356.

gnomAD v4.1: 1 of 1,614,056 alleles (0.000062%); highest among the groups gnomAD compares: East Asian, 0.0022%; no homozygotes.

Submissions (2):

Ambry Genetics
Classification: Uncertain significance for Hereditary cancer-predisposing syndrome. Last evaluated: 2025-11-15. Review status: criteria provided, single submitter. Criteria: Ambry Variant Classification Scheme 2023. Collection method: clinical testing. Allele origin: germline.
Comment: The p.D1156V variant (also known as c.3467A>T), located in coding exon 9 of the BRCA1 gene, results from an A to T substitution at nucleotide position 3467. The aspartic acid at codon 1156 is replaced by valine, an amino acid with highly dissimilar properties. This amino acid position is well conserved in available vertebrate species. In addition, the in silico prediction for this alteration is inconclusive. Since supporting evidence is limited at this time, the clinical significance of this alteration remains unclear.

University of Washington Department of Laboratory Medicine, University of Washington
Classification: Likely benign for Hereditary cancer-predisposing syndrome. Last evaluated: 2023-03-23. Review status: criteria provided, single submitter. Criteria: Dines et al. (Genet Med. 2020). Collection method: curation. Allele origin: germline.
Comment: Missense variant in a coldspot region where missense variants are very unlikely to be pathogenic (PMID:31911673).

BRCA1 coldspot (exon 11 using historical exon numbering). Reclassification based on statistical prior probability